The following is an entry in ClinVar:

NM_005219.5(DIAPH1):c.2328G>A (p.Glu776=)

Gene: DIAPH1 (diaphanous related formin 1; minus strand). Cytogenetic location: 5q31.3.
Variant type: single nucleotide variant.
Coding change: c.2328G>A on transcript NM_005219.5 (MANE Select); coding-DNA position 2328, G replaced by A.
Protein change: p.Glu776=; no amino-acid change (glutamic acid 776 retained).
Molecular consequence: synonymous variant.
Genome position (GRCh38, 1-based): chr5:141,573,522, C>T on the plus strand (G>A on the coding strand, the complement: DIAPH1 is on the minus strand). VCF-style: chr5-141573522-C-T. GRCh37 (hg19) VCF-style: chr5-140953089-C-T.
Other names: c.2301G>A, p.Glu767= (NM_001079812.3); c.2328G>A, p.Glu776= (NM_001314007.2); c.2328G>A (NM_005219.4).
Identifiers: ClinVar variation 1077595 (VCV001077595.11), dbSNP rs13175631, ClinGen allele CA3479121.

ClinVar aggregate classification (germline): Likely benign. Review status: criteria provided, single submitter (1 of 4 stars). 2 submissions from 2 submitters: Likely benign (1). 1 of the submissions does not count toward it. Last evaluated 2025-08-25.

Conditions:
DIAPH1-related disorder. Also called: DIAPH1-related condition.
Progressive microcephaly-seizures-cortical blindness-developmental delay syndrome. Also called: Seizures, cortical blindness, and microcephaly syndrome. Identifiers: Orphanet 477814, MedGen C5567650, MONDO:0014714, OMIM 616632.
Autosomal dominant nonsyndromic hearing loss 1. Also called: DEAFNESS, AUTOSOMAL DOMINANT 1, WITH OR WITHOUT THROMBOCYTOPENIA; KONIGSMARK SYNDROME. Identifiers: Orphanet 90635, MedGen C1852282, MONDO:0007424, OMIM 124900.

Allele frequency attached by ClinVar (database versions not stated): ExAC 0.00001; gnomAD exomes 0.00001 and 0.00003; TOPMed 0.00002; gnomAD 0.00003.
gnomAD v4.1: 41 of 1,613,322 alleles (0.0025%); highest among the groups gnomAD compares: Non-Finnish European, 0.0035%; no homozygotes.

Submissions (2):

Labcorp Genetics (formerly Invitae), Labcorp
Classification: Likely benign for Progressive microcephaly-seizures-cortical blindness-developmental delay syndrome; Autosomal dominant nonsyndromic hearing loss 1. Last evaluated: 2025-08-25. Review status: criteria provided, single submitter. Criteria: Invitae Variant Classification Sherloc (09022015). Collection method: clinical testing. Allele origin: germline.

PreventionGenetics, part of Exact Sciences
Classification: Likely benign for DIAPH1-related condition. Last evaluated: 2019-07-30. Review status: no assertion criteria provided. Collection method: clinical testing. Allele origin: germline. Not counted in ClinVar's aggregate classification.
Comment: This variant is classified as likely benign based on ACMG/AMP sequence variant interpretation guidelines (Richards et al. 2015 PMID: 25741868, with internal and published modifications).